The following is an entry in ClinVar:

NM_024120.5(NDUFAF5):c.223-2A>G

Gene: NDUFAF5 (NADH:ubiquinone oxidoreductase complex assembly factor 5; plus strand). Cytogenetic location: 20p12.1.
Variant type: single nucleotide variant.
Coding change: c.223-2A>G on transcript NM_024120.5 (MANE Select); the canonical splice acceptor site of the intron before coding-DNA position 223, A replaced by G.
Molecular consequence: splice acceptor variant. On other transcripts: non-coding transcript variant (3), 5 prime UTR variant (1).
Genome position (GRCh38, 1-based): chr20:13,787,310, A>G. VCF-style: chr20-13787310-A-G. GRCh37 (hg19) VCF-style: chr20-13767956-A-G.
Other names: c.-359-2A>G (NM_001352406.2); c.223-2A>G (NM_001039375.3, NM_001352408.2); c.-145-2A>G (NM_001352403.2); c.-341A>G (NM_001352407.2).
Identifiers: ClinVar variation 4857715 (VCV004857715.2).
Genomic context (GRCh38, chr20:13,787,310, plus strand): 5'-TGTTGAATACTGGAAAAAGAGTGTTACTTCCCCGTTAACCTACGCCTCGTGTAATCCTTC[A>G]GGTTGGAAGTCGGATCGCAGACCGTGTATATGACATACCCAGGTAAGTGGTGGTGATCAT-3'

ClinVar aggregate classification (germline): Likely pathogenic (1 of 4 stars; one submission).

Conditions:
Mitochondrial complex I deficiency, nuclear type 16. Also called: Mitochondrial complex 1 deficiency, nuclear type 16. Identifiers: MedGen C4748785, MONDO:0032621, OMIM 618238.

gnomAD v4.1: 2 of 1,614,088 alleles (0.00012%); highest among the groups gnomAD compares: Admixed American, 0.0017%; no homozygotes.

Submission:

Unidad de Genómica Garrahan, Hospital de Pediatría Garrahan
Classification: Likely pathogenic for Mitochondrial complex I deficiency, nuclear type 16. Last evaluated: 2024-06-01. Review status: criteria provided, single submitter. Criteria: ACMG Guidelines, 2015. Collection method: clinical testing. Allele origin: germline. Inheritance: Autosomal recessive inheritance. Affected: yes. Observed: 1 variant allele, 1 compound heterozygote.
Comment: The NDUFAF5 gene (OMIM *612360) encodes a mitochondrial matrix-associated protein that is essential for the assembly of mitochondrial respiratory chain Complex I. Although some phenotypic heterogeneity has been described, biallelic pathogenic variants in NDUFAF5 are known to cause mitochondrial Complex I deficiency, nuclear type 16 (MC1DN16; OMIM #618238), an autosomal recessive disorder characterized by a broad spectrum of neurological manifestations (PMID: 34797029). The NM_024120.5:c.223-2A>G variant affects the canonical splice acceptor site at position -2 of intron 1 in the NDUFAF5 gene. Variants disrupting canonical donor or acceptor splice sites are typically predicted to result in aberrant splicing and consequent loss of protein function (PMID: 16199547).Loss-of-function has been established as a disease mechanism for NDUFAF5, and pathogenic loss-of-function variants have previously been reported in affected individuals (PMID: 30473481). This variant is absent from both population and disease-associated variant databases. However, a pathogenic variant affecting the adjacent nucleotide at position −1 of intron 1 has been reported (ClinVar ID: VCV002158968.5), supporting the functional importance of this splice acceptor site. In addition, multiple in silico splice prediction algorithms consistently predict that the c.223-2A>G variant disrupts normal splicing. Notably, this variant has been identified in two unrelated patients evaluated in our laboratory, both presenting with clinical features consistent with NDUFAF5-associated mitochondrial disease. In both individuals, the variant was detected in the heterozygous state together with the likely pathogenic missense variant NM_024120.5:c.614A>C (ClinVar ID: VCV004850499.3). Both variants were confirmed by Sanger sequencing. Individuals carrying compound heterozygous NDUFAF5 variants and exhibiting similar clinical phenotypes have previously been reported (PMIDs: 29581464, 34964562). A paternal sample was not available for segregation analysis. LP (PVS1, PM2moderate)

Literature cited by the submitters: PubMed 34797029; PubMed 16199547; PubMed 30473481; PubMed 29581464; PubMed 34964562.